The following is an entry in ClinVar:

ClinVar aggregate classification (germline): Uncertain significance (1 of 4 stars; one submission).

Conditions:
Hereditary breast ovarian cancer syndrome. Also called: Hereditary breast and ovarian cancer syndrome (HBOC); Breast and ovarian cancer; Hereditary breast and/or ovarian cancer syndrome; Hereditary breast and ovarian cancer; BRCA1- and BRCA2-Associated Hereditary Breast and Ovarian Cancer; Hereditary breast and ovarian cancer syndrome. Identifiers: Orphanet 145, MedGen C0677776, MeSH D061325, MONDO:0003582. Disease mechanism: loss of function.

Submission:

Labcorp Genetics (formerly Invitae), Labcorp
Classification: Uncertain significance for Hereditary breast ovarian cancer syndrome. Last evaluated: 2022-05-04. Review status: criteria provided, single submitter. Criteria: Invitae Variant Classification Sherloc (09022015). Collection method: clinical testing. Allele origin: germline.
Comment: This variant is a gross deletion of the genomic region encompassing exon(s) 13-14 of the BRCA1 gene. This variant would be expected to be in-frame, preserving the integrity of the reading frame. This variant has not been reported in the literature in individuals affected with BRCA1-related conditions. Experimental studies and prediction algorithms are not available or were not evaluated, and the functional significance of this variant is currently unknown. In summary, the available evidence is currently insufficient to determine the role of this variant in disease. Therefore, it has been classified as a Variant of Uncertain Significance.

NC_000017.10:g.(?_41226328)_(41228651_?)del

Gene: BRCA1 (BRCA1 DNA repair associated; minus strand). Cytogenetic location: 17q21.31.
Variant type: Deletion.
Identifiers: ClinVar variation 2425714 (VCV002425714.3).